The following is an entry in ClinVar:

NM_004387.4(NKX2-5):c.748del (p.Tyr250fs)

Gene: NKX2-5 (NK2 homeobox 5; minus strand). Cytogenetic location: 5q35.1.
Variant type: Deletion.
Coding change: c.748del on transcript NM_004387.4 (MANE Select); coding-DNA position 748, one base deleted (T; older notation c.748delT).
Protein change: p.Tyr250fs; shifts the reading frame from tyrosine 250.
Molecular consequence: frameshift variant. On other transcripts: 3 prime UTR variant (2).
Genome position (GRCh38, 1-based): chr5:173,232,796, A deleted on the plus strand (T on the coding strand, the reverse complement: NKX2-5 is on the minus strand); the first of 2 consecutive A bases (chr5:173,232,796-173,232,797); deleting either gives the same sequence. VCF-style (leftmost placement, unchanged base first): chr5-173232795-TA-T. GRCh37 (hg19) VCF-style: chr5-172659798-TA-T.
Other names: c.*701del (NM_001166175.2); c.*547del (NM_001166176.2); short protein forms Y250fs.
Identifiers: ClinVar variation 4614706 (VCV004614706.1).

ClinVar aggregate classification (germline): Likely pathogenic (1 of 4 stars; one submission).

Conditions:
Cardiovascular phenotype. Identifiers: MedGen CN230736.

Submission:

Ambry Genetics
Classification: Likely pathogenic for Cardiovascular phenotype. Last evaluated: 2025-11-24. Review status: criteria provided, single submitter. Criteria: Ambry Variant Classification Scheme 2023. Collection method: clinical testing. Allele origin: germline.
Comment: The c.748delT variant, located in coding exon 2 of the NKX2-5 gene, results from a deletion of one nucleotide at nucleotide position 748, causing a translational frameshift with a predicted alternate stop codon (p.Y250Ifs*44). This alteration occurs at the 3' terminus of the gene, is not expected to trigger nonsense-mediated mRNA decay, and impacts the last 23% of the protein. However, premature stop codons are typically deleterious in nature and a significant portion of the protein is affected (Ambry internal data). This variant was reported in individual(s) with features consistent with NKX2-5-related congenital heart disease (Ambry internal data). This variant is considered to be rare based on population cohorts in the Genome Aggregation Database (gnomAD). Based on the majority of available evidence to date, this variant is likely to be pathogenic.